The following is an entry in ClinVar:

NM_004006.3(DMD):c.3362C>G (p.Pro1121Arg)

Gene: DMD (dystrophin; minus strand). Cytogenetic location: Xp21.1.
Variant type: single nucleotide variant.
Coding change: c.3362C>G on transcript NM_004006.3 (MANE Select); coding-DNA position 3362, C replaced by G.
Protein change: p.Pro1121Arg; replaces proline 1121 with arginine.
Molecular consequence: missense variant.
Genome position (GRCh38, 1-based): chrX:32,463,509, G>C on the plus strand (C>G on the coding strand, the complement: DMD is on the minus strand). VCF-style: chrX-32463509-G-C. GRCh37 (hg19) VCF-style: chrX-32481626-G-C.
Other names: c.3338C>G, p.Pro1113Arg (NM_000109.4); c.3350C>G, p.Pro1117Arg (NM_004009.3); c.2993C>G, p.Pro998Arg (NM_004010.3); short protein forms P1121R, P1117R, P998R, P1113R.
Identifiers: ClinVar variation 526059 (VCV000526059.11), dbSNP rs1557369441, ClinGen allele CA412664441.

ClinVar aggregate classification (germline): Uncertain significance (1 of 4 stars; one submission).

Conditions:
Duchenne muscular dystrophy (DMD). Also called: Duchenne Muscular Dystrophy (DMD); MUSCULAR DYSTROPHY, PSEUDOHYPERTROPHIC PROGRESSIVE, DUCHENNE TYPE. Identifiers: Orphanet 98896, MedGen C0013264, MONDO:0010679, OMIM 310200.

Allele frequency attached by ClinVar (database versions not stated): gnomAD exomes below 0.00001.
gnomAD v4.1: 1 of 1,204,976 alleles (0.000083%); highest among the groups gnomAD compares: African/African-American, 0.0017%; no homozygotes.

Submission:

Labcorp Genetics (formerly Invitae), Labcorp
Classification: Uncertain significance for Duchenne muscular dystrophy. Last evaluated: 2021-02-18. Review status: criteria provided, single submitter. Criteria: Invitae Variant Classification Sherloc (09022015). Collection method: clinical testing. Allele origin: germline.
Comment: Algorithms developed to predict the effect of missense changes on protein structure and function do not agree on the potential impact of this missense change (SIFT: "Tolerated"; PolyPhen-2: "Probably Damaging"; Align-GVGD: "Class C0"). This variant has not been reported in the literature in individuals with DMD-related disease. This variant is not present in population databases (ExAC no frequency). This sequence change replaces proline with arginine at codon 1121 of the DMD protein (p.Pro1121Arg). The proline residue is highly conserved and there is a moderate physicochemical difference between proline and arginine. In summary, the available evidence is currently insufficient to determine the role of this variant in disease. Therefore, it has been classified as a Variant of Uncertain Significance.